The following is an entry in ClinVar:

ClinVar aggregate classification (germline): Likely benign. Review status: criteria provided, multiple submitters, no conflicts (2 of 4 stars). 2 submissions from 2 submitters: Likely benign (2). Last evaluated 2026-01-05.

Conditions:
Intellectual disability, CASK-related, X-linked. Identifiers: MedGen CN043158.

Allele frequency attached by ClinVar (database versions not stated): TOPMed 0.00002; gnomAD exomes 0.00004.
gnomAD v4.1: 44 of 1,203,263 alleles (0.0037%); highest among the groups gnomAD compares: Non-Finnish European, 0.0047%; no homozygotes.

Submissions (2):

Labcorp Genetics (formerly Invitae), Labcorp
Classification: Likely benign for Intellectual disability, CASK-related, X-linked. Last evaluated: 2026-01-05. Review status: criteria provided, single submitter. Criteria: Invitae Variant Classification Sherloc (09022015). Collection method: clinical testing. Allele origin: germline.

CeGaT Center for Human Genetics Tuebingen
Classification: Likely benign. Last evaluated: 2026-01-01. Review status: criteria provided, single submitter. Criteria: CeGaT Center For Human Genetics Tuebingen Variant Classification Criteria Version 2. Collection method: clinical testing. Allele origin: germline. Affected: yes. Observed: 2 variant alleles.
Comment: CASK: BP4, BP7, BS2

NM_001367721.1(CASK):c.309C>T (p.Ile103=)

Gene: CASK (calcium/calmodulin dependent serine protein kinase; minus strand). Cytogenetic location: Xp11.4.
Variant type: single nucleotide variant.
Coding change: c.309C>T on transcript NM_001367721.1 (MANE Select); coding-DNA position 309, C replaced by T.
Protein change: p.Ile103=; no amino-acid change (isoleucine 103 retained).
Molecular consequence: synonymous variant.
Genome position (GRCh38, 1-based): chrX:41,745,571, G>A on the plus strand (C>T on the coding strand, the complement: CASK is on the minus strand). VCF-style: chrX-41745571-G-A. GRCh37 (hg19) VCF-style: chrX-41604824-G-A.
Other names: c.309C>T, p.Ile103= (NM_001126054.3, NM_001126055.3, NM_001410745.1 and 1 more transcripts).
Identifiers: ClinVar variation 2714188 (VCV002714188.16), dbSNP rs1457203740, ClinGen allele CA516109451.